The following is an entry in ClinVar:

NM_000081.4(LYST):c.9410C>G (p.Thr3137Ser)

Gene: LYST (lysosomal trafficking regulator; minus strand). Cytogenetic location: 1q42.3.
Variant type: single nucleotide variant.
Coding change: c.9410C>G on transcript NM_000081.4 (MANE Select); coding-DNA position 9410, C replaced by G.
Protein change: p.Thr3137Ser; replaces threonine 3137 with serine.
Molecular consequence: missense variant.
Genome position (GRCh38, 1-based): chr1:235,720,811, G>C on the plus strand (C>G on the coding strand, the complement: LYST is on the minus strand). VCF-style: chr1-235720811-G-C. GRCh37 (hg19) VCF-style: chr1-235884111-G-C.
Other names: c.9410C>G, p.Thr3137Ser (NM_001301365.1); short protein forms T3137S.
Identifiers: ClinVar variation 4702114 (VCV004702114.1).

ClinVar aggregate classification (germline): Uncertain significance (1 of 4 stars; one submission).

Conditions:
Chédiak-Higashi syndrome (CHS). Also called: Chediak-Higashi Syndrome. Identifiers: Orphanet 167, MedGen C0007965, MONDO:0008963, OMIM 214500.

gnomAD v4.1: 18 of 1,613,942 alleles (0.0011%); highest among the groups gnomAD compares: Non-Finnish European, 0.0015%; no homozygotes.

Submission:

Labcorp Genetics (formerly Invitae), Labcorp
Classification: Uncertain significance for Chédiak-Higashi syndrome. Last evaluated: 2025-06-22. Review status: criteria provided, single submitter. Criteria: Invitae Variant Classification Sherloc (09022015). Collection method: clinical testing. Allele origin: germline.
Comment: This sequence change replaces threonine, which is neutral and polar, with serine, which is neutral and polar, at codon 3137 of the LYST protein (p.Thr3137Ser). This variant is present in population databases (rs141320974, gnomAD 0.004%). This variant has not been reported in the literature in individuals affected with LYST-related conditions. Invitae Evidence Modeling of protein sequence and biophysical properties (such as structural, functional, and spatial information, amino acid conservation, physicochemical variation, residue mobility, and thermodynamic stability) indicates that this missense variant is not expected to disrupt LYST protein function with a negative predictive value of 80%. In summary, the available evidence is currently insufficient to determine the role of this variant in disease. Therefore, it has been classified as a Variant of Uncertain Significance.